The following is an entry in ClinVar:

NM_000231.3(SGCG):c.449dup (p.Phe151fs)

Gene: SGCG (sarcoglycan gamma; plus strand). Cytogenetic location: 13q12.12.
Variant type: Duplication.
Coding change: c.449dup on transcript NM_000231.3 (MANE Select); coding-DNA position 449, one base duplicated (T; older notation c.449dupT).
Protein change: p.Phe151fs; shifts the reading frame from phenylalanine 151.
Molecular consequence: frameshift variant.
Genome position (GRCh38, 1-based): chr13:23,279,422, T duplicated. VCF-style (leftmost placement, unchanged base first): chr13-23279421-C-CT. GRCh37 (hg19) VCF-style: chr13-23853560-C-CT.
Other names: c.503dup, p.Phe169fs (NM_001378244.1); c.449dup, p.Phe151fs (NM_001378245.1, NM_001378246.1); short protein forms F151fs, F169fs.
Identifiers: ClinVar variation 5014114 (VCV005014114.1).

ClinVar aggregate classification (germline): Pathogenic (1 of 4 stars; one submission).

Conditions:
Autosomal recessive limb-girdle muscular dystrophy type 2C (LGMDR5). Also called: MUSCULAR DYSTROPHY, DUCHENNE-LIKE; MUSCULAR DYSTROPHY, LIMB-GIRDLE, AUTOSOMAL RECESSIVE 5. Identifiers: Orphanet 353, MedGen C0410173, MONDO:0009677, OMIM 253700. Disease mechanism: Affects gamma-sarcoglycan and also disrupts the integrity of the entire sarcoglycan complex..

Submission:

Myriad Genetics, Inc.
Classification: Pathogenic for Autosomal recessive limb-girdle muscular dystrophy type 2C. Last evaluated: 2025-02-19. Review status: criteria provided, single submitter. Criteria: Myriad Autosomal Dominant, Autosomal Recessive and X-Linked Classification Criteria (2023). Collection method: clinical testing. Allele origin: unknown.
Comment: NM_000231.2(SGCG):c.449dupT(F151Ifs*5) is expected to be pathogenic in the context of gamma-sarcoglycanopathy. This variant is predicted to lead to an abnormal or absent protein product due to the creation of a premature termination codon in SGCG, a gene where loss-of-function variants are known to be pathogenic. Please note: this variant was assessed in the context of healthy population screening.